The following is an entry in ClinVar:

ClinVar aggregate classification (germline): Uncertain significance (1 of 4 stars; one submission).

Conditions:
Brachyolmia-amelogenesis imperfecta syndrome. Also called: PLATYSPONDYLY WITH AMELOGENESIS IMPERFECTA; Tooth agenesis, selective, 6; Dental anomalies and short stature. Identifiers: Orphanet 2899, MedGen C1832594, MONDO:0011018, OMIM 601216. Disease mechanism: loss of function.

gnomAD v4.1: 1 of 1,614,132 alleles (0.000062%); highest among the groups gnomAD compares: Non-Finnish European, 0.000085%; no homozygotes.

Submission:

Labcorp Genetics (formerly Invitae), Labcorp
Classification: Uncertain significance for Brachyolmia-amelogenesis imperfecta syndrome. Last evaluated: 2026-01-06. Review status: criteria provided, single submitter. Criteria: Invitae Variant Classification Sherloc (09022015). Collection method: clinical testing. Allele origin: germline.
Comment: This sequence change replaces alanine, which is neutral and non-polar, with valine, which is neutral and non-polar, at codon 835 of the LTBP3 protein (p.Ala835Val). This variant is not present in population databases (gnomAD no frequency). This variant has not been reported in the literature in individuals affected with LTBP3-related conditions. An algorithm developed to predict the effect of missense changes on protein structure and function (PolyPhen-2) suggests that this variant is likely to be tolerated. In summary, the available evidence is currently insufficient to determine the role of this variant in disease. Therefore, it has been classified as a Variant of Uncertain Significance.

NM_001130144.3(LTBP3):c.2504C>T (p.Ala835Val)

Gene: LTBP3 (latent transforming growth factor beta binding protein 3; minus strand). Cytogenetic location: 11q13.1.
Variant type: single nucleotide variant.
Coding change: c.2504C>T on transcript NM_001130144.3 (MANE Select); coding-DNA position 2504, C replaced by T.
Protein change: p.Ala835Val; replaces alanine 835 with valine.
Molecular consequence: missense variant.
Genome position (GRCh38, 1-based): chr11:65,543,197, G>A on the plus strand (C>T on the coding strand, the complement: LTBP3 is on the minus strand). VCF-style: chr11-65543197-G-A. GRCh37 (hg19) VCF-style: chr11-65310668-G-A.
Other names: c.2153C>T, p.Ala718Val (NM_001164266.1); c.2504C>T, p.Ala835Val (NM_021070.4); short protein forms A718V, A835V.
Identifiers: ClinVar variation 4749070 (VCV004749070.1).